The following is an entry in ClinVar:

ClinVar aggregate classification (germline): Benign/Likely benign. Review status: criteria provided, multiple submitters, no conflicts (2 of 4 stars). 3 submissions from 3 submitters: Benign (2); Likely benign (1). Last evaluated 2026-02-03.

Conditions:
Diffuse cerebral and cerebellar atrophy - intractable seizures - progressive microcephaly syndrome. Also called: Microcephaly, progressive, with seizures and cerebral and cerebellar atrophy. Identifiers: Orphanet 404437, MedGen C4014239, MONDO:0014335, OMIM 615760.

Allele frequency attached by ClinVar (database versions not stated): ExAC 0.00104; gnomAD 0.00279 and 0.00299; TOPMed 0.00361; ESP Exome Variant Server 0.00377; 1000 Genomes Project 0.00419; 1000 Genomes Project 30x 0.00437.

Submissions (3):

Labcorp Genetics (formerly Invitae), Labcorp
Classification: Benign for Diffuse cerebral and cerebellar atrophy - intractable seizures - progressive microcephaly syndrome. Last evaluated: 2026-02-03. Review status: criteria provided, single submitter. Criteria: Invitae Variant Classification Sherloc (09022015). Collection method: clinical testing. Allele origin: germline.

Blueprint Genetics
Classification: Likely benign. Last evaluated: 2024-05-27. Review status: criteria provided, single submitter. Criteria: ACMG Guidelines, 2015. Collection method: clinical testing. Allele origin: germline.

GeneDx
Classification: Benign. Last evaluated: 2016-04-14. Review status: criteria provided, single submitter. Criteria: GeneDx Variant Classification (06012015). Collection method: clinical testing. Allele origin: germline. Affected: yes.
Comment: This variant is considered likely benign or benign based on one or more of the following criteria: it is a conservative change, it occurs at a poorly conserved position in the protein, it is predicted to be benign by multiple in silico algorithms, and/or has population frequency not consistent with disease.

NM_005051.3(QARS1):c.1295+13T>C

Gene: QARS1 (glutaminyl-tRNA synthetase 1; minus strand). Cytogenetic location: 3p21.31.
Variant type: single nucleotide variant.
Coding change: c.1295+13T>C on transcript NM_005051.3 (MANE Select); 13 bases into the intron after coding-DNA position 1295, T replaced by C.
Molecular consequence: intron variant.
Genome position (GRCh38, 1-based): chr3:49,099,948, A>G on the plus strand (T>C on the coding strand, the complement: QARS1 is on the minus strand). VCF-style: chr3-49099948-A-G. GRCh37 (hg19) VCF-style: chr3-49137381-A-G.
Other names: c.1262+13T>C (NM_001272073.2).
Identifiers: ClinVar variation 381434 (VCV000381434.10), dbSNP rs149070379, ClinGen allele CA2391818.